The following is an entry in ClinVar:

ClinVar aggregate classification (germline): Likely benign. Review status: criteria provided, single submitter (1 of 4 stars). 2 submissions from 2 submitters: Likely benign (1). 1 of the submissions does not count toward it. Last evaluated 2024-03-07.

Conditions:
MRPS23-related disorder. Also called: MRPS23-related condition.

Allele frequency attached by ClinVar (database versions not stated): TOPMed 0.00006; gnomAD 0.00007; gnomAD exomes 0.00007; ExAC 0.00011.

Submissions (2):

Labcorp Genetics (formerly Invitae), Labcorp
Classification: Likely benign. Last evaluated: 2024-03-07. Review status: criteria provided, single submitter. Criteria: Invitae Variant Classification Sherloc (09022015). Collection method: clinical testing. Allele origin: germline.

PreventionGenetics, part of Exact Sciences
Classification: Likely benign for MRPS23-related condition. Last evaluated: 2022-12-21. Review status: no assertion criteria provided. Collection method: clinical testing. Allele origin: germline. Not counted in ClinVar's aggregate classification.
Comment: This variant is classified as likely benign based on ACMG/AMP sequence variant interpretation guidelines (Richards et al. 2015 PMID: 25741868, with internal and published modifications).

NM_016070.4(MRPS23):c.315G>A (p.Glu105=)

Gene: MRPS23 (mitochondrial ribosomal protein S23; minus strand). Cytogenetic location: 17q22.
Variant type: single nucleotide variant.
Coding change: c.315G>A on transcript NM_016070.4 (MANE Select); coding-DNA position 315, G replaced by A.
Protein change: p.Glu105=; no amino-acid change (glutamic acid 105 retained).
Molecular consequence: synonymous variant.
Genome position (GRCh38, 1-based): chr17:57,841,031, C>T on the plus strand (G>A on the coding strand, the complement: MRPS23 is on the minus strand). VCF-style: chr17-57841031-C-T. GRCh37 (hg19) VCF-style: chr17-55918392-C-T.
Identifiers: ClinVar variation 3035966 (VCV003035966.4), dbSNP rs761915008, ClinGen allele CA8666728.